The following is an entry in ClinVar:

ClinVar aggregate classification (germline): Uncertain significance (1 of 4 stars; one submission).

Conditions:
Autosomal dominant nocturnal frontal lobe epilepsy 5. Also called: CILIARY DYSKINESIA, PRIMARY, 28, WITH SITUS INVERSUS; KCNT1-Related Epilepsy; CILIARY DYSKINESIA, PRIMARY, 28, WITHOUT SITUS INVERSUS; Epilepsy, nocturnal frontal lobe, 5. Identifiers: Orphanet 98784, MedGen C3554306, MONDO:0014002, OMIM 615005.
Developmental and epileptic encephalopathy, 14 (DEE14). Also called: Early infantile epileptic encephalopathy 14. Identifiers: Orphanet 293181, MedGen C3554195, MONDO:0013989, OMIM 614959.

Allele frequency attached by ClinVar (database versions not stated): gnomAD exomes below 0.00001 and 0.00001.
gnomAD v4.1: 6 of 1,613,510 alleles (0.00037%); highest among the groups gnomAD compares: Middle Eastern, 0.017%; no homozygotes.

Submission:

Labcorp Genetics (formerly Invitae), Labcorp
Classification: Uncertain significance for Autosomal dominant nocturnal frontal lobe epilepsy 5; Developmental and epileptic encephalopathy, 14. Last evaluated: 2024-02-17. Review status: criteria provided, single submitter. Criteria: Invitae Variant Classification Sherloc (09022015). Collection method: clinical testing. Allele origin: germline.
Comment: This sequence change replaces threonine, which is neutral and polar, with methionine, which is neutral and non-polar, at codon 370 of the KCNT1 protein (p.Thr370Met). This variant is present in population databases (no rsID available, gnomAD 0.002%). This variant has not been reported in the literature in individuals affected with KCNT1-related conditions. ClinVar contains an entry for this variant (Variation ID: 1388330). Advanced modeling of protein sequence and biophysical properties (such as structural, functional, and spatial information, amino acid conservation, physicochemical variation, residue mobility, and thermodynamic stability) has been performed at Invitae for this missense variant, however the output from this modeling did not meet the statistical confidence thresholds required to predict the impact of this variant on KCNT1 protein function. In summary, the available evidence is currently insufficient to determine the role of this variant in disease. Therefore, it has been classified as a Variant of Uncertain Significance.

NM_020822.3(KCNT1):c.1109C>T (p.Thr370Met)

Gene: KCNT1 (potassium sodium-activated channel subfamily T member 1; plus strand). Cytogenetic location: 9q34.3.
Variant type: single nucleotide variant.
Coding change: c.1109C>T on transcript NM_020822.3 (MANE Select); coding-DNA position 1109, C replaced by T.
Protein change: p.Thr370Met; replaces threonine 370 with methionine.
Molecular consequence: missense variant.
Genome position (GRCh38, 1-based): chr9:135,765,104, C>T. VCF-style: chr9-135765104-C-T. GRCh37 (hg19) VCF-style: chr9-138656950-C-T.
Other names: c.974C>T, p.Thr325Met (NM_001272003.2); short protein forms T370M, T325M.
Identifiers: ClinVar variation 1388330 (VCV001388330.8), dbSNP rs1284049151, ClinGen allele CA375500096.